The following is an entry in ClinVar:

ClinVar aggregate classification (germline): Uncertain significance. Review status: criteria provided, multiple submitters, no conflicts (2 of 4 stars). 2 submissions from 2 submitters: Uncertain significance (2). Last evaluated 2024-01-09.

Conditions:
Inborn genetic diseases. Identifiers: MedGen C0950123, MeSH D030342.

Submissions (2):

Ambry Genetics
Classification: Uncertain significance for Inborn genetic diseases. Last evaluated: 2024-01-09. Review status: criteria provided, single submitter. Criteria: Ambry Variant Classification Scheme 2023. Collection method: clinical testing. Allele origin: germline.

GeneDx
Classification: Uncertain significance. Last evaluated: 2023-04-03. Review status: criteria provided, single submitter. Criteria: GeneDx Variant Classification Process June 2021. Collection method: clinical testing. Allele origin: germline. Affected: yes.
Comment: Not observed at significant frequency in large population cohorts (gnomAD); In silico analysis supports that this missense variant does not alter protein structure/function; Has not been previously published as pathogenic or benign to our knowledge

NM_005027.4(PIK3R2):c.476T>C (p.Leu159Pro)

Gene: PIK3R2 (phosphoinositide-3-kinase regulatory subunit 2; plus strand). Cytogenetic location: 19p13.11.
Variant type: single nucleotide variant.
Coding change: c.476T>C on transcript NM_005027.4 (MANE Select); coding-DNA position 476, T replaced by C.
Protein change: p.Leu159Pro; replaces leucine 159 with proline.
Molecular consequence: missense variant. On other transcripts: non-coding transcript variant (2).
Genome position (GRCh38, 1-based): chr19:18,161,063, T>C. VCF-style: chr19-18161063-T-C. GRCh37 (hg19) VCF-style: chr19-18271873-T-C.
Other names: short protein forms L159P.
Identifiers: ClinVar variation 2662758 (VCV002662758.2), dbSNP rs2147950064, ClinGen allele CA404804877.